The following is an entry in ClinVar:

ClinVar aggregate classification (germline): Uncertain significance (1 of 4 stars; one submission).

gnomAD v4.1: 32 of 1,613,766 alleles (0.002%); highest among the groups gnomAD compares: Admixed American, 0.02%; no homozygotes.

Submission:

Women's Health and Genetics/Laboratory Corporation of America, LabCorp
Classification: Uncertain significance. Last evaluated: 2025-04-15. Review status: criteria provided, single submitter. Criteria: LabCorp Variant Classification Summary - May 2015. Collection method: clinical testing. Allele origin: germline.
Comment: Variant summary: CCDC88C c.2611G>A (p.Ala871Thr) results in a non-conservative amino acid change in the encoded protein sequence. Four of five in-silico tools predict a benign effect of the variant on protein function. The variant allele was found at a frequency of 4e-05 in 249150 control chromosomes. This frequency is not significantly higher than estimated for a pathogenic variant in CCDC88C causing CCDC88C-Related Disorders, allowing no conclusion about variant significance. To our knowledge, no occurrence of c.2611G>A in individuals affected with CCDC88C-Related Disorders and no experimental evidence demonstrating its impact on protein function have been reported. ClinVar contains an entry for this variant (Variation ID: 3336412). Based on the evidence outlined above, the variant was classified as uncertain significance.

NM_001080414.4(CCDC88C):c.2611G>A (p.Ala871Thr)

Gene: CCDC88C (coiled-coil domain containing 88C; minus strand). Cytogenetic location: 14q32.11.
Variant type: single nucleotide variant.
Coding change: c.2611G>A on transcript NM_001080414.4 (MANE Select); coding-DNA position 2611, G replaced by A.
Protein change: p.Ala871Thr; replaces alanine 871 with threonine.
Molecular consequence: missense variant.
Genome position (GRCh38, 1-based): chr14:91,313,205, C>T on the plus strand (G>A on the coding strand, the complement: CCDC88C is on the minus strand). VCF-style: chr14-91313205-C-T. GRCh37 (hg19) VCF-style: chr14-91779549-C-T.
Other names: short protein forms A871T.
Identifiers: ClinVar variation 3336412 (VCV003336412.3).